The following is an entry in ClinVar:

ClinVar aggregate classification (germline): Likely benign. Review status: criteria provided, multiple submitters, no conflicts (2 of 4 stars). 2 submissions from 2 submitters: Likely benign (2). Last evaluated 2024-09-09.

Allele frequency attached by ClinVar (database versions not stated): gnomAD exomes below 0.00001 and 0.00001; TOPMed below 0.00001; ExAC 0.00001; gnomAD 0.00001.
gnomAD v4.1: 9 of 1,613,886 alleles (0.00056%); highest among the groups gnomAD compares: African/African-American, 0.0013%; no homozygotes.

Submissions (2):

Labcorp Genetics (formerly Invitae), Labcorp
Classification: Likely benign. Last evaluated: 2024-09-09. Review status: criteria provided, single submitter. Criteria: Invitae Variant Classification Sherloc (09022015). Collection method: clinical testing. Allele origin: germline.

GeneDx
Classification: Likely benign. Last evaluated: 2017-03-28. Review status: criteria provided, single submitter. Criteria: GeneDx Variant Classification (06012015). Collection method: clinical testing. Allele origin: germline. Affected: yes.
Comment: This variant is considered likely benign or benign based on one or more of the following criteria: it is a conservative change, it occurs at a poorly conserved position in the protein, it is predicted to be benign by multiple in silico algorithms, and/or has population frequency not consistent with disease.

NM_020191.4(MRPS22):c.173-14A>G

Gene: MRPS22 (mitochondrial ribosomal protein S22; plus strand). Cytogenetic location: 3q23.
Variant type: single nucleotide variant.
Coding change: c.173-14A>G on transcript NM_020191.4 (MANE Select); 14 bases into the intron before coding-DNA position 173, A replaced by G.
Molecular consequence: intron variant.
Genome position (GRCh38, 1-based): chr3:139,346,864, A>G. VCF-style: chr3-139346864-A-G. GRCh37 (hg19) VCF-style: chr3-139065706-A-G.
Other names: c.173-17A>G (NM_001363893.1); c.50-14A>G (NM_001363857.1).
Identifiers: ClinVar variation 508011 (VCV000508011.3), dbSNP rs760358192, ClinGen allele CA2640654.